The following is an entry in ClinVar:

NM_053025.4(MYLK):c.3869A>C (p.Glu1290Ala)

Gene: MYLK (myosin light chain kinase; minus strand). Cytogenetic location: 3q21.1.
Variant type: single nucleotide variant.
Coding change: c.3869A>C on transcript NM_053025.4 (MANE Select); coding-DNA position 3869, A replaced by C.
Protein change: p.Glu1290Ala; replaces glutamic acid 1290 with alanine.
Molecular consequence: missense variant.
Genome position (GRCh38, 1-based): chr3:123,664,221, T>G on the plus strand (A>C on the coding strand, the complement: MYLK is on the minus strand). VCF-style: chr3-123664221-T-G. GRCh37 (hg19) VCF-style: chr3-123383068-T-G.
Other names: c.3341A>C, p.Glu1114Ala (NM_001321309.2); c.3662A>C, p.Glu1221Ala (NM_053026.4, NM_053028.4); c.3869A>C, p.Glu1290Ala (NM_053027.4); short protein forms E1290A, E1114A, E1221A.
Identifiers: ClinVar variation 1996091 (VCV001996091.4), dbSNP rs763844853, ClinGen allele CA070382.

ClinVar aggregate classification (germline): Uncertain significance (1 of 4 stars; one submission).

Conditions:
Aortic aneurysm, familial thoracic 7 (AAT7). Also called: AORTIC DISSECTION, FAMILIAL, WITH OR WITHOUT AORTIC ANEURYSM. Identifiers: MedGen C3151077, MONDO:0013418, OMIM 613780.

Allele frequency attached by ClinVar (database versions not stated): gnomAD exomes below 0.00001; ExAC 0.00001; gnomAD 0.00001.
gnomAD v4.1: 2 of 1,614,038 alleles (0.00012%); highest among the groups gnomAD compares: Non-Finnish European, 0.00017%; no homozygotes.

Submission:

Labcorp Genetics (formerly Invitae), Labcorp
Classification: Uncertain significance for Aortic aneurysm, familial thoracic 7. Last evaluated: 2022-05-18. Review status: criteria provided, single submitter. Criteria: Invitae Variant Classification Sherloc (09022015). Collection method: clinical testing. Allele origin: germline.
Comment: This variant is present in population databases (rs763844853, gnomAD 0.0009%). This variant has not been reported in the literature in individuals affected with MYLK-related conditions. Advanced modeling of protein sequence and biophysical properties (such as structural, functional, and spatial information, amino acid conservation, physicochemical variation, residue mobility, and thermodynamic stability) performed at Invitae indicates that this missense variant is not expected to disrupt MYLK protein function. This sequence change replaces glutamic acid, which is acidic and polar, with alanine, which is neutral and non-polar, at codon 1290 of the MYLK protein (p.Glu1290Ala). In summary, the available evidence is currently insufficient to determine the role of this variant in disease. Therefore, it has been classified as a Variant of Uncertain Significance.